The following is an entry in ClinVar:

NM_001134831.2(AHI1):c.1483C>T (p.Arg495Cys)

Gene: AHI1 (Abelson helper integration site 1; minus strand). Cytogenetic location: 6q23.3.
Variant type: single nucleotide variant.
Coding change: c.1483C>T on transcript NM_001134831.2 (MANE Select); coding-DNA position 1483, C replaced by T.
Protein change: p.Arg495Cys; replaces arginine 495 with cysteine.
Molecular consequence: missense variant.
Genome position (GRCh38, 1-based): chr6:135,448,433, G>A on the plus strand (C>T on the coding strand, the complement: AHI1 is on the minus strand). VCF-style: chr6-135448433-G-A. GRCh37 (hg19) VCF-style: chr6-135769571-G-A.
Other names: c.1483C>T, p.Arg495Cys (NM_001134830.2, NM_001134832.2, NM_001350503.2 and 2 more transcripts); short protein forms R495C.
Identifiers: ClinVar variation 866291 (VCV000866291.9), dbSNP rs891261493, ClinGen allele CA148136846.

ClinVar aggregate classification (germline): Conflicting classifications of pathogenicity. Review status: criteria provided, conflicting classifications (1 of 4 stars). 3 submissions from 3 submitters: Likely pathogenic (1); Uncertain significance (2). Last evaluated 2026-02-01.

Conditions:
Joubert syndrome 3 (JBTS3). Also called: AHI1-related Ciliopathy. Identifiers: Orphanet 220493, MedGen C1837713, MONDO:0012078, OMIM 608629.
Joubert syndrome. Also called: JOUBERT-BOLTSHAUSER SYNDROME; Familial aplasia of the vermis. Identifiers: Orphanet 475, MedGen C5979921, MONDO:0018772.

Allele frequency attached by ClinVar (database versions not stated): gnomAD 0.00001; gnomAD exomes 0.00001; TOPMed 0.00001.
gnomAD v4.1: 12 of 1,557,654 alleles (0.00077%); highest among the groups gnomAD compares: Admixed American, 0.0017%; no homozygotes.

Submissions (3):

Labcorp Genetics (formerly Invitae), Labcorp
Classification: Likely pathogenic for Joubert syndrome. Last evaluated: 2026-02-01. Review status: criteria provided, single submitter. Criteria: Invitae Variant Classification Sherloc (09022015). Collection method: clinical testing. Allele origin: germline.
Comment: This sequence change replaces arginine, which is basic and polar, with cysteine, which is neutral and slightly polar, at codon 495 of the AHI1 protein (p.Arg495Cys). This variant is present in population databases (no rsID available, gnomAD 0.008%). This missense change has been observed in individual(s) with retinitis pigmentosa (PMID: 36460718; internal data). ClinVar contains an entry for this variant (Variation ID: 866291). Invitae Evidence Modeling of protein sequence and biophysical properties (such as structural, functional, and spatial information, amino acid conservation, physicochemical variation, residue mobility, and thermodynamic stability) indicates that this missense variant is expected to disrupt AHI1 protein function with a positive predictive value of 95%. Algorithms developed to predict the effect of sequence changes on RNA splicing suggest that this variant may disrupt the consensus splice site. This variant disrupts the p.Arg495 amino acid residue in AHI1. Other variant(s) that disrupt this residue have been determined to be pathogenic (PMID: 21937992). This suggests that this residue is clinically significant, and that variants that disrupt this residue are likely to be disease-causing. In summary, the currently available evidence indicates that the variant is pathogenic, but additional data are needed to prove that conclusively. Therefore, this variant has been classified as Likely Pathogenic.

Fulgent Genetics
Classification: Uncertain significance for Joubert syndrome 3. Last evaluated: 2024-03-02. Review status: criteria provided, single submitter. Criteria: ACMG Guidelines, 2015. Collection method: clinical testing. Allele origin: germline.

Blueprint Genetics
Classification: Uncertain significance. Last evaluated: 2019-12-03. Review status: criteria provided, single submitter. Criteria: ACMG Guidelines, 2015. Collection method: clinical testing. Allele origin: germline.

Literature cited by the submitters: PubMed 36460718 (cited by Labcorp Genetics (formerly Invitae), Labcorp); PubMed 21937992 (cited by Labcorp Genetics (formerly Invitae), Labcorp).